The following is an entry in ClinVar:

NM_004380.3(CREBBP):c.3698+5G>A

Gene: CREBBP (CREB binding protein; minus strand). Cytogenetic location: 16p13.3.
Variant type: single nucleotide variant.
Coding change: c.3698+5G>A on transcript NM_004380.3 (MANE Select); 5 bases into the intron after coding-DNA position 3698, G replaced by A.
Molecular consequence: intron variant.
Genome position (GRCh38, 1-based): chr16:3,757,283, C>T on the plus strand (G>A on the coding strand, the complement: CREBBP is on the minus strand). VCF-style: chr16-3757283-C-T. GRCh37 (hg19) VCF-style: chr16-3807284-C-T.
Other names: c.3584+5G>A (NM_001079846.1).
Identifiers: ClinVar variation 3359534 (VCV003359534.1).
Genomic context (GRCh38, chr16:3,757,283, plus strand): 5'-CAGACTATAACCAGATGAACGTGCCTTGCCCTAAGACATAATGCAGGATGCTGCTTGACG[C>T]TTACCTATTCTGATAGCTGTAGTAGGCAGCATCGCGAGGAATGGTACACAGCTGCTTCCC-3'

ClinVar aggregate classification (germline): Uncertain significance (1 of 4 stars; one submission).

Submission:

GeneDx
Classification: Uncertain significance. Last evaluated: 2023-06-05. Review status: criteria provided, single submitter. Criteria: GeneDx Variant Classification Process June 2021. Collection method: clinical testing. Allele origin: germline. Affected: yes.
Comment: Not observed at significant frequency in large population cohorts (gnomAD); In silico analysis supports that this variant does not alter splicing; Nucleotide substitution has no predicted effect on splicing and is not conserved across species; Has not been previously published as pathogenic or benign to our knowledge